The following is an entry in ClinVar:

ClinVar aggregate classification (germline): Uncertain significance (1 of 4 stars; one submission).

Allele frequency attached by ClinVar (database versions not stated): TOPMed below 0.00001.

Submission:

Ambry Genetics
Classification: Uncertain significance. Last evaluated: 2024-03-15. Review status: criteria provided, single submitter. Criteria: Ambry Variant Classification Scheme 2023. Collection method: clinical testing. Allele origin: germline.
Comment: The p.Q24H variant (also known as c.72A>C), located in coding exon 1 of the MLH3 gene, results from an A to C substitution at nucleotide position 72. The glutamine at codon 24 is replaced by histidine, an amino acid with highly similar properties. This amino acid position is conserved. In addition, this alteration is predicted to be tolerated by in silico analysis. Since supporting evidence is limited at this time, the clinical significance of this alteration remains unclear.

NM_001040108.2(MLH3):c.72A>C (p.Gln24His)

Gene: MLH3 (mutL homolog 3; minus strand). Cytogenetic location: 14q24.3.
Variant type: single nucleotide variant.
Coding change: c.72A>C on transcript NM_001040108.2 (MANE Select); coding-DNA position 72, A replaced by C.
Protein change: p.Gln24His; replaces glutamine 24 with histidine.
Molecular consequence: missense variant.
Genome position (GRCh38, 1-based): chr14:75,049,584, T>G on the plus strand (A>C on the coding strand, the complement: MLH3 is on the minus strand). VCF-style: chr14-75049584-T-G. GRCh37 (hg19) VCF-style: chr14-75516287-T-G.
Other names: c.72A>C, p.Gln24His (NM_014381.3); short protein forms Q24H.
Identifiers: ClinVar variation 1758172 (VCV001758172.2), dbSNP rs1371598567, ClinGen allele CA390451747.